The following is an entry in ClinVar:

ClinVar aggregate classification (germline): Conflicting classifications of pathogenicity. Review status: criteria provided, conflicting classifications (1 of 4 stars). 4 submissions from 4 submitters: Uncertain significance (1); Likely benign (2). 1 of the submissions does not count toward it. Last evaluated 2025-10-10.

Conditions:
COQ8A-related disorder. Also called: COQ8A-related condition.
Autosomal recessive ataxia due to ubiquinone deficiency. Also called: SPINOCEREBELLAR ATAXIA, AUTOSOMAL RECESSIVE 9; Coenzyme Q10 deficiency, primary, 4. Identifiers: Orphanet 139485, MedGen C2677589, MONDO:0012784, OMIM 612016.

Allele frequency attached by ClinVar (database versions not stated): ExAC 0.00002; gnomAD exomes 0.00003; TOPMed 0.00003; gnomAD 0.00005.
gnomAD v4.1: 168 of 1,613,862 alleles (0.01%); highest among the groups gnomAD compares: Non-Finnish European, 0.014%; no homozygotes.

Submissions (4):

Labcorp Genetics (formerly Invitae), Labcorp
Classification: Likely benign. Last evaluated: 2025-10-10. Review status: criteria provided, single submitter. Criteria: Invitae Variant Classification Sherloc (09022015). Collection method: clinical testing. Allele origin: germline.

Illumina Laboratory Services, Illumina
Classification: Uncertain significance for Autosomal recessive ataxia due to ubiquinone deficiency. Last evaluated: 2018-01-12. Review status: criteria provided, single submitter. Criteria: ICSL Variant Classification Criteria 13 December 2019. Collection method: clinical testing. Allele origin: germline.

GeneDx
Classification: Likely benign. Last evaluated: 2016-10-14. Review status: criteria provided, single submitter. Criteria: GeneDx Variant Classification (06012015). Collection method: clinical testing. Allele origin: germline. Affected: yes.
Comment: This variant is considered likely benign or benign based on one or more of the following criteria: it is a conservative change, it occurs at a poorly conserved position in the protein, it is predicted to be benign by multiple in silico algorithms, and/or has population frequency not consistent with disease.

PreventionGenetics, part of Exact Sciences
Classification: Likely benign for COQ8A-related condition. Last evaluated: 2019-10-16. Review status: no assertion criteria provided. Collection method: clinical testing. Allele origin: germline. Not counted in ClinVar's aggregate classification.
Comment: This variant is classified as likely benign based on ACMG/AMP sequence variant interpretation guidelines (Richards et al. 2015 PMID: 25741868, with internal and published modifications).

NM_020247.5(COQ8A):c.1809C>T (p.Pro603=)

Gene: COQ8A (coenzyme Q8A; plus strand). Cytogenetic location: 1q42.13.
Variant type: single nucleotide variant.
Coding change: c.1809C>T on transcript NM_020247.5 (MANE Select); coding-DNA position 1809, C replaced by T.
Protein change: p.Pro603=; no amino-acid change (proline 603 retained).
Molecular consequence: synonymous variant.
Genome position (GRCh38, 1-based): chr1:226,986,602, C>T. VCF-style: chr1-226986602-C-T. GRCh37 (hg19) VCF-style: chr1-227174303-C-T.
Identifiers: ClinVar variation 296029 (VCV000296029.11), dbSNP rs774789966, ClinGen allele CA1425678.